The following is an entry in ClinVar:

ClinVar aggregate classification (germline): Uncertain significance (1 of 4 stars; one submission).

Conditions:
Inborn genetic diseases. Identifiers: MedGen C0950123, MeSH D030342.

Submission:

Ambry Genetics
Classification: Uncertain significance for Inborn genetic diseases. Last evaluated: 2023-03-05. Review status: criteria provided, single submitter. Criteria: Ambry Variant Classification Scheme 2023. Collection method: clinical testing. Allele origin: germline.
Comment: The p.K74T variant (also known as c.221A>C), located in coding exon 2 of the MDH2 gene, results from an A to C substitution at nucleotide position 221. The lysine at codon 74 is replaced by threonine, an amino acid with similar properties. This amino acid position is conserved. In addition, the in silico prediction for this alteration is inconclusive. Since supporting evidence is limited at this time, the clinical significance of this alteration remains unclear.

NM_005918.4(MDH2):c.221A>C (p.Lys74Thr)

Gene: MDH2 (malate dehydrogenase 2; plus strand). Cytogenetic location: 7q11.23.
Variant type: single nucleotide variant.
Coding change: c.221A>C on transcript NM_005918.4 (MANE Select); coding-DNA position 221, A replaced by C.
Protein change: p.Lys74Thr; replaces lysine 74 with threonine.
Molecular consequence: missense variant. On other transcripts: intron variant (1).
Genome position (GRCh38, 1-based): chr7:76,054,984, A>C. VCF-style: chr7-76054984-A-C. GRCh37 (hg19) VCF-style: chr7-75684302-A-C.
Other names: c.221A>C, p.Lys74Thr (NM_001282403.2); c.-86-2426A>C (NM_001282404.2); short protein forms K74T.
Identifiers: ClinVar variation 2447848 (VCV002447848.2), dbSNP rs1554586033, ClinGen allele CA367762691.